The following is an entry in ClinVar:

NM_004260.4(RECQL4):c.3019C>A (p.Leu1007Ile)

Gene: RECQL4 (RecQ like helicase 4; minus strand). Cytogenetic location: 8q24.3.
Variant type: single nucleotide variant.
Coding change: c.3019C>A on transcript NM_004260.4 (MANE Select); coding-DNA position 3019, C replaced by A.
Protein change: p.Leu1007Ile; replaces leucine 1007 with isoleucine.
Molecular consequence: missense variant. On other transcripts: non-coding transcript variant (3).
Genome position (GRCh38, 1-based): chr8:144,512,428, G>T on the plus strand (C>A on the coding strand, the complement: RECQL4 is on the minus strand). VCF-style: chr8-144512428-G-T. GRCh37 (hg19) VCF-style: chr8-145737811-G-T.
Other names: c.2725C>A, p.Leu909Ile (NM_001413017.1); c.2821C>A, p.Leu941Ile (NM_001413018.1); c.3094C>A, p.Leu1032Ile (NM_001413019.1); c.2923C>A, p.Leu975Ile (NM_001413020.1); c.1948C>A, p.Leu650Ile (NM_001413021.1, NM_001413022.1, NM_001413024.1 and 4 more transcripts); c.2023C>A, p.Leu675Ile (NM_001413023.1); c.2890C>A, p.Leu964Ile (NM_001413025.1); c.1882C>A, p.Leu628Ile (NM_001413027.1, NM_001413030.1, NM_001413032.1); and 9 more; short protein forms L1007I, L650I, L941I, L963I, L964I, L975I, L1032I, L584I.
Identifiers: ClinVar variation 4744099 (VCV004744099.1).

ClinVar aggregate classification (germline): Uncertain significance (1 of 4 stars; one submission).

Conditions:
Baller-Gerold syndrome (BGS). Also called: CRANIOSYNOSTOSIS WITH RADIAL DEFECTS. Identifiers: Orphanet 1225, MedGen C0265308, MONDO:0009039, OMIM 218600.

Submission:

Labcorp Genetics (formerly Invitae), Labcorp
Classification: Uncertain significance for Baller-Gerold syndrome. Last evaluated: 2025-10-03. Review status: criteria provided, single submitter. Criteria: Invitae Variant Classification Sherloc (09022015). Collection method: clinical testing. Allele origin: germline.
Comment: This sequence change replaces leucine, which is neutral and non-polar, with isoleucine, which is neutral and non-polar, at codon 1007 of the RECQL4 protein (p.Leu1007Ile). This variant is not present in population databases (gnomAD no frequency). This variant has not been reported in the literature in individuals affected with RECQL4-related conditions. Invitae Evidence Modeling of protein sequence and biophysical properties (such as structural, functional, and spatial information, amino acid conservation, physicochemical variation, residue mobility, and thermodynamic stability) indicates that this missense variant is expected to disrupt RECQL4 protein function with a positive predictive value of 80%. In summary, the available evidence is currently insufficient to determine the role of this variant in disease. Therefore, it has been classified as a Variant of Uncertain Significance.